The following is an entry in ClinVar:

NM_001035.3(RYR2):c.13393C>A (p.Leu4465Ile)

Gene: RYR2 (ryanodine receptor 2; plus strand). Cytogenetic location: 1q43.
Variant type: single nucleotide variant.
Coding change: c.13393C>A on transcript NM_001035.3 (MANE Select); coding-DNA position 13393, C replaced by A.
Protein change: p.Leu4465Ile; replaces leucine 4465 with isoleucine.
Molecular consequence: missense variant.
Genome position (GRCh38, 1-based): chr1:237,788,052, C>A. VCF-style: chr1-237788052-C-A. GRCh37 (hg19) VCF-style: chr1-237951352-C-A.
Other names: short protein forms L4465I.
Identifiers: ClinVar variation 3906057 (VCV003906057.10).

ClinVar aggregate classification (germline): Uncertain significance (1 of 4 stars; one submission).

Submission:

CeGaT Center for Human Genetics Tuebingen
Classification: Uncertain significance. Last evaluated: 2025-06-01. Review status: criteria provided, single submitter. Criteria: CeGaT Center For Human Genetics Tuebingen Variant Classification Criteria Version 2. Collection method: clinical testing. Allele origin: germline. Affected: yes. Observed: 1 variant allele.
Comment: RYR2: PM2